The following is an entry in ClinVar:

NM_152383.5(DIS3L2):c.1085C>A (p.Thr362Lys)

Gene: DIS3L2 (DIS3 like 3'-5' exoribonuclease 2; plus strand). Cytogenetic location: 2q37.1.
Variant type: single nucleotide variant.
Coding change: c.1085C>A on transcript NM_152383.5 (MANE Select); coding-DNA position 1085, C replaced by A.
Protein change: p.Thr362Lys; replaces threonine 362 with lysine.
Molecular consequence: missense variant. On other transcripts: non-coding transcript variant (2).
Genome position (GRCh38, 1-based): chr2:232,163,593, C>A. VCF-style: chr2-232163593-C-A. GRCh37 (hg19) VCF-style: chr2-233028303-C-A.
Other names: c.1085C>A, p.Thr362Lys (NM_001257281.2); short protein forms T362K.
Identifiers: ClinVar variation 644913 (VCV000644913.12), dbSNP rs762225594, ClinGen allele CA2164000.

ClinVar aggregate classification (germline): Uncertain significance. Review status: criteria provided, multiple submitters, no conflicts (2 of 4 stars). 3 submissions from 3 submitters: Uncertain significance (3). Last evaluated 2025-07-17.

Conditions:
Inborn genetic diseases. Identifiers: MedGen C0950123, MeSH D030342.
Perlman syndrome (PRLMNS). Identifiers: Orphanet 2849, MedGen C0796113, MONDO:0009965, OMIM 267000.

Allele frequency attached by ClinVar (database versions not stated): gnomAD exomes below 0.00001; ExAC 0.00001.
gnomAD v4.1: 3 of 1,614,006 alleles (0.00019%); highest among the groups gnomAD compares: South Asian, 0.0011%; no homozygotes.

Submissions (3):

Labcorp Genetics (formerly Invitae), Labcorp
Classification: Uncertain significance for Perlman syndrome. Last evaluated: 2025-07-17. Review status: criteria provided, single submitter. Criteria: Invitae Variant Classification Sherloc (09022015). Collection method: clinical testing. Allele origin: germline.
Comment: This sequence change replaces threonine, which is neutral and polar, with lysine, which is basic and polar, at codon 362 of the DIS3L2 protein (p.Thr362Lys). This variant is present in population databases (rs762225594, gnomAD 0.0009%). This variant has not been reported in the literature in individuals affected with DIS3L2-related conditions. ClinVar contains an entry for this variant (Variation ID: 644913). Invitae Evidence Modeling of protein sequence and biophysical properties (such as structural, functional, and spatial information, amino acid conservation, physicochemical variation, residue mobility, and thermodynamic stability) indicates that this missense variant is not expected to disrupt DIS3L2 protein function with a negative predictive value of 80%. In summary, the available evidence is currently insufficient to determine the role of this variant in disease. Therefore, it has been classified as a Variant of Uncertain Significance.

Ambry Genetics
Classification: Uncertain significance for Inborn genetic diseases. Last evaluated: 2025-04-09. Review status: criteria provided, single submitter. Criteria: Ambry Variant Classification Scheme 2023. Collection method: clinical testing. Allele origin: germline.

Department of Pathology and Laboratory Medicine, Sinai Health System
Classification: Uncertain significance for Perlman syndrome. Last evaluated: 2021-07-30. Review status: criteria provided, single submitter. Criteria: ACMG Guidelines, 2015. Collection method: research. Allele origin: germline.